The following is an entry in ClinVar:

NM_016333.4(SRRM2):c.1383T>A (p.Asn461Lys)

Gene: SRRM2 (serine/arginine repetitive matrix 2; plus strand). Cytogenetic location: 16p13.3.
Variant type: single nucleotide variant.
Coding change: c.1383T>A on transcript NM_016333.4 (MANE Select); coding-DNA position 1383, T replaced by A.
Protein change: p.Asn461Lys; replaces asparagine 461 with lysine.
Molecular consequence: missense variant.
Genome position (GRCh38, 1-based): chr16:2,761,911, T>A. VCF-style: chr16-2761911-T-A. GRCh37 (hg19) VCF-style: chr16-2811912-T-A.
Other names: short protein forms N461K.
Identifiers: ClinVar variation 3384814 (VCV003384814.1).
Genomic context (GRCh38, chr16:2,761,911, plus strand): 5'-TAAACCTGCTCCAGCTCCAGGGTCCCACCGAGAGATTTCTTCTTCTCCCACATCTAAGAA[T>A]CGCTCACATGGCCGAGCAAAACGGGATAAATCACATTCTCATACCCCCTCCCGTAGGATG-3'
Protein context (NP_057417.3, residues 451-471): REISSSPTSK[Asn461Lys]RSHGRAKRDK

ClinVar aggregate classification (germline): Uncertain significance (1 of 4 stars; one submission).

gnomAD v4.1: 17 of 1,613,700 alleles (0.0011%); highest among the groups gnomAD compares: South Asian, 0.012%; no homozygotes.

Submission:

Women's Health and Genetics/Laboratory Corporation of America, LabCorp
Classification: Uncertain significance. Last evaluated: 2024-10-09. Review status: criteria provided, single submitter. Criteria: LabCorp Variant Classification Summary - May 2015. Collection method: clinical testing. Allele origin: germline.
Comment: Variant summary: SRRM2 c.1383T>A (p.Asn461Lys) results in a non-conservative amino acid change in the encoded protein sequence. Four of five in-silico tools predict a benign effect of the variant on protein function. The variant allele was found at a frequency of 1.6e-05 in 251016 control chromosomes. The available data on variant occurrences in the general population are insufficient to allow any conclusion about variant significance. To our knowledge, no occurrence of c.1383T>A in individuals affected with Intellectual Developmental Disorder, Autosomal Dominant 72 and no experimental evidence demonstrating its impact on protein function have been reported. No submitters have cited clinical-significance assessments for this variant to ClinVar. Based on the evidence outlined above, the variant was classified as uncertain significance.